The following is an entry in ClinVar:

NM_000445.5(PLEC):c.147C>A (p.Asn49Lys)

Gene: PLEC (plectin; minus strand). Cytogenetic location: 8q24.3.
Variant type: single nucleotide variant.
Coding change: c.147C>A on transcript NM_000445.5; coding-DNA position 147, C replaced by A.
Protein change: p.Asn49Lys; replaces asparagine 49 with lysine.
Molecular consequence: missense variant.
Genome position (GRCh38, 1-based): chr8:143,975,223, G>T on the plus strand (C>A on the coding strand, the complement: PLEC is on the minus strand). VCF-style: chr8-143975223-G-T. GRCh37 (hg19) VCF-style: chr8-145049391-G-T.
Other names: c.147C>A, p.Asn49Lys (NM_001410941.1); short protein forms N49K.
Identifiers: ClinVar variation 681387 (VCV000681387.3), dbSNP rs1587437368, ClinGen allele CA372491591.
Genomic context (GRCh38, chr8:143,975,223, plus strand): 5'-CCCTGCGCAGTTACCTGCGATGCGAATGACCGCCCGCTCAGCTGGGTCCAGGACACTCCC[G>T]TTGCTCCCAGCGCCACCCCCGCTGCGCCGGCTCCGCTGCGTTTTCCCAAGGTTCCAGGGC-3'

ClinVar aggregate classification (germline): Likely benign (1 of 4 stars; one submission).

Submission:

GeneDx
Classification: Likely benign. Last evaluated: 2018-04-06. Review status: criteria provided, single submitter. Criteria: GeneDx Variant Classification (06012015). Collection method: clinical testing. Allele origin: germline. Affected: yes.
Comment: This variant is considered likely benign or benign based on one or more of the following criteria: it is a conservative change, it occurs at a poorly conserved position in the protein, it is predicted to be benign by multiple in silico algorithms, and/or has population frequency not consistent with disease.